The following is an entry in ClinVar:

ClinVar aggregate classification (germline): Pathogenic/Likely pathogenic. Review status: criteria provided, multiple submitters, no conflicts (2 of 4 stars). 2 submissions from 2 submitters: Pathogenic (1); Likely pathogenic (1). Last evaluated 2023-12-11.

Conditions:
Hypertrophic cardiomyopathy. Also called: HYPERTROPHIC MYOCARDIOPATHY. Identifiers: Orphanet 217569, MedGen C0007194, MeSH D002312, MONDO:0005045, HP:0001639.

Submissions (2):

Labcorp Genetics (formerly Invitae), Labcorp
Classification: Pathogenic for Hypertrophic cardiomyopathy. Last evaluated: 2023-12-11. Review status: criteria provided, single submitter. Criteria: Invitae Variant Classification Sherloc (09022015). Collection method: clinical testing. Allele origin: germline.
Comment: This sequence change replaces glutamic acid, which is acidic and polar, with lysine, which is basic and polar, at codon 931 of the MYH7 protein (p.Glu931Lys). This variant is not present in population databases (gnomAD no frequency). This missense change has been observed in individuals with clinical features of hypertrophic cardiomyopathy (PMID: 15358028; Invitae). ClinVar contains an entry for this variant (Variation ID: 429657). Advanced modeling of protein sequence and biophysical properties (such as structural, functional, and spatial information, amino acid conservation, physicochemical variation, residue mobility, and thermodynamic stability) performed at Invitae indicates that this missense variant is expected to disrupt MYH7 protein function with a positive predictive value of 95%. This variant disrupts the p.Glu931 amino acid residue in MYH7. Other variant(s) that disrupt this residue have been observed in individuals with MYH7-related conditions (PMID: 27574918), which suggests that this may be a clinically significant amino acid residue. For these reasons, this variant has been classified as Pathogenic.

GeneDx
Classification: Likely pathogenic. Last evaluated: 2015-09-16. Review status: criteria provided, single submitter. Criteria: GeneDx Variant Classification (06012015). Collection method: clinical testing. Allele origin: germline. Affected: yes.
Comment: The E931K variant in the MYH7 gene has been reported in association with HCM in two individuals and was absent from 400 control alleles; however, no additional clinical information or segregation analysis was provided (Van Driest et al., 2004; Berge et al., 2014). The E931K variant is a non-conservative amino acid substitution, which is likely to impact secondary protein structure as these residues differ in polarity, charge, size and/or other properties. Variants in nearby residues (E929K, E930Q, E930K, M932K, E935K) have been reported in HGMD in association with HCM (Stenson et al., 2014), further supporting the functional importance of this region of the protein. Furthermore, the E931K variant was not observed in approximately 6,500 individuals of European and African American ancestry in the NHLBI Exome Sequencing Project, indicating it is not a common benign variant in these populations.Therefore, this variant is a strong candidate for a pathogenic variant however the possibility that it is a benign variant cannot be excluded.

Literature cited by the submitters: PubMed 15358028 (cited by Labcorp Genetics (formerly Invitae), Labcorp); PubMed 27574918 (cited by Labcorp Genetics (formerly Invitae), Labcorp).

NM_000257.4(MYH7):c.2791G>A (p.Glu931Lys)

Gene: MYH7 (myosin heavy chain 7; minus strand). Cytogenetic location: 14q11.2.
Variant type: single nucleotide variant.
Coding change: c.2791G>A on transcript NM_000257.4 (MANE Select); coding-DNA position 2791, G replaced by A.
Protein change: p.Glu931Lys; replaces glutamic acid 931 with lysine.
Molecular consequence: missense variant.
Genome position (GRCh38, 1-based): chr14:23,424,038, C>T on the plus strand (G>A on the coding strand, the complement: MYH7 is on the minus strand). VCF-style: chr14-23424038-C-T. GRCh37 (hg19) VCF-style: chr14-23893247-C-T.
Other names: c.2791G>A (LRG_384t1); short protein forms E931K.
Identifiers: ClinVar variation 429657 (VCV000429657.6), dbSNP rs1131691514, ClinGen allele CA389047044.